The following is an entry in ClinVar:

NM_003764.4(STX11):c.237C>T (p.Leu79=)

Gene: STX11 (syntaxin 11; plus strand). Cytogenetic location: 6q24.2.
Variant type: single nucleotide variant.
Coding change: c.237C>T on transcript NM_003764.4 (MANE Select); coding-DNA position 237, C replaced by T.
Protein change: p.Leu79=; no amino-acid change (leucine 79 retained).
Molecular consequence: synonymous variant.
Genome position (GRCh38, 1-based): chr6:144,186,864, C>T. VCF-style: chr6-144186864-C-T. GRCh37 (hg19) VCF-style: chr6-144508001-C-T.
Identifiers: ClinVar variation 763702 (VCV000763702.10), dbSNP rs201775530, ClinGen allele CA4031660.

ClinVar aggregate classification (germline): Likely benign. Review status: criteria provided, single submitter (1 of 4 stars). 2 submissions from 2 submitters: Likely benign (1). 1 of the submissions does not count toward it. Last evaluated 2024-12-31.

Conditions:
STX11-related disorder. Also called: STX11-related condition.
Familial hemophagocytic lymphohistiocytosis 4 (FHL4). Also called: STX11-Related Familial Hemophagocytic Lymphohistiocytosis (STX11-fHLH). Identifiers: Orphanet 540, MedGen C1863728, MONDO:0011336, OMIM 603552.

Allele frequency attached by ClinVar (database versions not stated): gnomAD exomes 0.00002 and 0.00011; gnomAD 0.00003 and 0.00005; TOPMed 0.00005; ExAC 0.00010; 1000 Genomes Project 30x 0.00016; 1000 Genomes Project 0.00020.
gnomAD v4.1: 41 of 1,612,966 alleles (0.0025%); highest among the groups gnomAD compares: East Asian, 0.087%; no homozygotes.

Submissions (2):

Labcorp Genetics (formerly Invitae), Labcorp
Classification: Likely benign for Familial hemophagocytic lymphohistiocytosis 4. Last evaluated: 2024-12-31. Review status: criteria provided, single submitter. Criteria: Invitae Variant Classification Sherloc (09022015). Collection method: clinical testing. Allele origin: germline.

PreventionGenetics, part of Exact Sciences
Classification: Likely benign for STX11-related condition. Last evaluated: 2019-03-29. Review status: no assertion criteria provided. Collection method: clinical testing. Allele origin: germline. Not counted in ClinVar's aggregate classification.
Comment: This variant is classified as likely benign based on ACMG/AMP sequence variant interpretation guidelines (Richards et al. 2015 PMID: 25741868, with internal and published modifications).